The following is an entry in ClinVar:

NM_002860.4(ALDH18A1):c.922A>G (p.Met308Val)

Gene: ALDH18A1 (aldehyde dehydrogenase 18 family member A1; minus strand). Cytogenetic location: 10q24.1.
Variant type: single nucleotide variant.
Coding change: c.922A>G on transcript NM_002860.4 (MANE Select); coding-DNA position 922, A replaced by G.
Protein change: p.Met308Val; replaces methionine 308 with valine.
Molecular consequence: missense variant.
Genome position (GRCh38, 1-based): chr10:95,628,379, T>C on the plus strand (A>G on the coding strand, the complement: ALDH18A1 is on the minus strand). VCF-style: chr10-95628379-T-C. GRCh37 (hg19) VCF-style: chr10-97388136-T-C.
Other names: c.916A>G, p.Met306Val (NM_001323415.2, NM_001017423.2); c.589A>G, p.Met197Val (NM_001323416.2, NM_001323412.2); c.817A>G, p.Met273Val (NM_001323417.2); c.583A>G, p.Met195Val (NM_001323418.2); c.286A>G, p.Met96Val (NM_001323419.2); c.922A>G, p.Met308Val (NM_001323413.2, NM_001323414.2); short protein forms M306V, M96V, M195V, M308V, M197V, M273V.
Identifiers: ClinVar variation 3731006 (VCV003731006.1).

ClinVar aggregate classification (germline): Uncertain significance (1 of 4 stars; one submission).

gnomAD v4.1: 1 of 1,614,176 alleles (0.000062%); highest among the groups gnomAD compares: Non-Finnish European, 0.000085%; no homozygotes.

Submission:

GeneDx
Classification: Uncertain significance. Last evaluated: 2024-08-11. Review status: criteria provided, single submitter. Criteria: GeneDx Variant Classification Process June 2021. Collection method: clinical testing. Allele origin: germline. Affected: yes.
Comment: Not observed at significant frequency in large population cohorts (gnomAD); In silico analysis supports that this missense variant has a deleterious effect on protein structure/function; Has not been previously published as pathogenic or benign to our knowledge